The following is an entry in ClinVar:

ClinVar aggregate classification (germline): Uncertain significance (1 of 4 stars; one submission).

Allele frequency attached by ClinVar (database versions not stated): gnomAD 0.00001; gnomAD exomes 0.00001; TOPMed 0.00001; ExAC 0.00002.
gnomAD v4.1: 5 of 1,613,944 alleles (0.00031%); highest among the groups gnomAD compares: Admixed American, 0.005%; no homozygotes.

Submission:

GeneDx
Classification: Uncertain significance. Last evaluated: 2022-02-01. Review status: criteria provided, single submitter. Criteria: GeneDx Variant Classification Process June 2021. Collection method: clinical testing. Allele origin: germline. Affected: yes.
Comment: Not observed at significant frequency in large population cohorts (gnomAD); In silico analysis supports that this missense variant does not alter protein structure/function; Has not been previously published as pathogenic or benign to our knowledge

NM_001194998.2(CEP152):c.2548A>C (p.Asn850His)

Gene: CEP152 (centrosomal protein 152; minus strand). Cytogenetic location: 15q21.1.
Variant type: single nucleotide variant.
Coding change: c.2548A>C on transcript NM_001194998.2 (MANE Select); coding-DNA position 2548, A replaced by C.
Protein change: p.Asn850His; replaces asparagine 850 with histidine.
Molecular consequence: missense variant.
Genome position (GRCh38, 1-based): chr15:48,762,405, T>G on the plus strand (A>C on the coding strand, the complement: CEP152 is on the minus strand). VCF-style: chr15-48762405-T-G. GRCh37 (hg19) VCF-style: chr15-49054602-T-G.
Other names: c.2548A>C, p.Asn850His (NM_014985.4); short protein forms N850H.
Identifiers: ClinVar variation 1699619 (VCV001699619.2), dbSNP rs755545730, ClinGen allele CA7548548.